The following is an entry in ClinVar:

NM_001291088.2(WDR87):c.6597G>T (p.Met2199Ile)

Gene: WDR87 (WD repeat domain 87; minus strand). Cytogenetic location: 19q13.13.
Variant type: single nucleotide variant.
Coding change: c.6597G>T on transcript NM_001291088.2 (MANE Select); coding-DNA position 6597, G replaced by T.
Protein change: p.Met2199Ile; replaces methionine 2199 with isoleucine.
Molecular consequence: missense variant.
Genome position (GRCh38, 1-based): chr19:37,887,074, C>A on the plus strand (G>T on the coding strand, the complement: WDR87 is on the minus strand). VCF-style: chr19-37887074-C-A. GRCh37 (hg19) VCF-style: chr19-38377714-C-A.
Other names: c.6480G>T, p.Met2160Ile (NM_031951.5); c.6480G>T (NM_031951.3); short protein forms M2160I, M2199I.
Identifiers: ClinVar variation 1617622 (VCV001617622.33), dbSNP rs116131450, ClinGen allele CA9408502.

ClinVar aggregate classification (germline): Benign/Likely benign. Review status: criteria provided, multiple submitters, no conflicts (2 of 4 stars). 3 submissions from 3 submitters: Benign (1); Likely benign (2). Last evaluated 2025-08-02.

Allele frequency attached by ClinVar (database versions not stated): gnomAD exomes 0.00021 and 0.00048; ExAC 0.00076; TOPMed 0.00232; gnomAD 0.00237 and 0.00240; 1000 Genomes Project 0.00439; 1000 Genomes Project 30x 0.00453.
gnomAD v4.1: 676 of 1,550,560 alleles (0.044%); highest among the groups gnomAD compares: African/African-American, 0.76%; 5 homozygotes.

Submissions (3):

Ambry Genetics
Classification: Likely benign. Last evaluated: 2025-08-02. Review status: criteria provided, single submitter. Criteria: Ambry Variant Classification Scheme 2023. Collection method: clinical testing. Allele origin: germline.

CeGaT Center for Human Genetics Tuebingen
Classification: Likely benign. Last evaluated: 2025-02-01. Review status: criteria provided, single submitter. Criteria: CeGaT Center For Human Genetics Tuebingen Variant Classification Criteria Version 2. Collection method: clinical testing. Allele origin: germline. Affected: yes. Observed: 2 variant alleles.
Comment: WDR87: PP2, BP4, BS2

Labcorp Genetics (formerly Invitae), Labcorp
Classification: Benign. Last evaluated: 2024-10-10. Review status: criteria provided, single submitter. Criteria: Invitae Variant Classification Sherloc (09022015). Collection method: clinical testing. Allele origin: germline.